The following is an entry in ClinVar:

ClinVar aggregate classification (germline): Uncertain significance (1 of 4 stars; one submission).

Allele frequency attached by ClinVar (database versions not stated): gnomAD 0.00003; TOPMed 0.00003; ExAC 0.00005; ESP Exome Variant Server 0.00009.
gnomAD v4.1: 34 of 1,208,040 alleles (0.0028%); highest among the groups gnomAD compares: African/African-American, 0.0052%; no homozygotes.

Submission:

Labcorp Genetics (formerly Invitae), Labcorp
Classification: Uncertain significance. Last evaluated: 2025-05-09. Review status: criteria provided, single submitter. Criteria: Invitae Variant Classification Sherloc (09022015). Collection method: clinical testing. Allele origin: germline.
Comment: This sequence change replaces proline, which is neutral and non-polar, with leucine, which is neutral and non-polar, at codon 328 of the SH3KBP1 protein (p.Pro328Leu). This variant is present in population databases (rs141396234, gnomAD 0.008%). This variant has not been reported in the literature in individuals affected with SH3KBP1-related conditions. ClinVar contains an entry for this variant (Variation ID: 1948888). An algorithm developed to predict the effect of missense changes on protein structure and function (PolyPhen-2) suggests that this variant is likely to be tolerated. In summary, the available evidence is currently insufficient to determine the role of this variant in disease. Therefore, it has been classified as a Variant of Uncertain Significance.

NM_031892.3(SH3KBP1):c.983C>T (p.Pro328Leu)

Gene: SH3KBP1 (SH3 domain containing kinase binding protein 1; minus strand). Cytogenetic location: Xp22.12.
Variant type: single nucleotide variant.
Coding change: c.983C>T on transcript NM_031892.3 (MANE Select); coding-DNA position 983, C replaced by T.
Protein change: p.Pro328Leu; replaces proline 328 with leucine.
Molecular consequence: missense variant.
Genome position (GRCh38, 1-based): chrX:19,607,960, G>A on the plus strand (C>T on the coding strand, the complement: SH3KBP1 is on the minus strand). VCF-style: chrX-19607960-G-A. GRCh37 (hg19) VCF-style: chrX-19626078-G-A.
Other names: c.872C>T, p.Pro291Leu (NM_001024666.3); c.269C>T, p.Pro90Leu (NM_001184960.2, NM_001353897.2); c.983C>T, p.Pro328Leu (NM_001353890.2); c.1058C>T, p.Pro353Leu (NM_001353891.2, NM_001353892.2); c.881C>T, p.Pro294Leu (NM_001353893.2, NM_001353894.2); c.938C>T, p.Pro313Leu (NM_001353895.2); c.1115C>T, p.Pro372Leu (NM_001410756.1, NM_001410757.1); c.806C>T, p.Pro269Leu (NM_001410758.1); short protein forms P294L, P313L, P269L, P353L, P291L, P328L, P372L, P90L.
Identifiers: ClinVar variation 1948888 (VCV001948888.5), dbSNP rs141396234, ClinGen allele CA10364682.